The following is an entry in ClinVar:

NM_003105.6(SORL1):c.3947-3T>C

Gene: SORL1 (sortilin related receptor 1; plus strand). Cytogenetic location: 11q24.1.
Variant type: single nucleotide variant.
Coding change: c.3947-3T>C on transcript NM_003105.6 (MANE Select); 3 bases into the intron before coding-DNA position 3947, T replaced by C.
Molecular consequence: intron variant.
Genome position (GRCh38, 1-based): chr11:121,589,256, T>C. VCF-style: chr11-121589256-T-C. GRCh37 (hg19) VCF-style: chr11-121459965-T-C.
Identifiers: ClinVar variation 1354062 (VCV001354062.6), dbSNP rs775762067, ClinGen allele CA6329465.

ClinVar aggregate classification (germline): Uncertain significance (1 of 4 stars; one submission).

Allele frequency attached by ClinVar (database versions not stated): gnomAD 0.00001; TOPMed 0.00001; ExAC 0.00002; gnomAD exomes 0.00003.
gnomAD v4.1: 52 of 1,612,734 alleles (0.0032%); highest among the groups gnomAD compares: East Asian, 0.036%; 1 homozygote.

Submission:

Labcorp Genetics (formerly Invitae), Labcorp
Classification: Uncertain significance. Last evaluated: 2025-09-30. Review status: criteria provided, single submitter. Criteria: Invitae Variant Classification Sherloc (09022015). Collection method: clinical testing. Allele origin: germline.
Comment: This sequence change falls in intron 28 of the SORL1 gene. It does not directly change the encoded amino acid sequence of the SORL1 protein. It affects a nucleotide within the consensus splice site. This variant is present in population databases (rs775762067, gnomAD 0.02%). This variant has not been reported in the literature in individuals affected with SORL1-related conditions. ClinVar contains an entry for this variant (Variation ID: 1354062). Variants that disrupt the consensus splice site are a relatively common cause of aberrant splicing (PMID: 17576681, 9536098). Algorithms developed to predict the effect of sequence changes on RNA splicing suggest that this variant is not likely to affect RNA splicing. In summary, the available evidence is currently insufficient to determine the role of this variant in disease. Therefore, it has been classified as a Variant of Uncertain Significance.

Literature cited by the submitters: PubMed 17576681; PubMed 9536098.